The following is an entry in ClinVar:

NM_033364.4(CFAP91):c.647dup (p.Pro217_Glu218insTer)

Gene: CFAP91 (cilia and flagella associated protein 91; plus strand). Cytogenetic location: 3q13.33.
Variant type: Duplication.
Coding change: c.647dup on transcript NM_033364.4 (MANE Select); coding-DNA position 647, one base duplicated (T; older notation c.647dupT).
Protein change: p.Pro217_Glu218insTer.
Molecular consequence: frameshift variant.
Genome position (GRCh38, 1-based): chr3:119,715,708, T duplicated. VCF-style (leftmost placement, unchanged base first): chr3-119715707-A-AT. GRCh37 (hg19) VCF-style: chr3-119434554-A-AT.
Other names: c.587dup, p.Pro197_Glu198insTer (NM_001320316.2); c.461dup, p.Pro155_Glu156insTer (NM_001320317.2); c.269dup, p.Pro91_Glu92insTer (NM_001320318.2).
Identifiers: ClinVar variation 4880051 (VCV004880051.1).
Genomic context (GRCh38, chr3:119,715,707, plus strand): 5'-CGGGATGCTGACGTTCAAACAGATCCATACTCTGCAGAATATGTAGTATGTCAGGACTCA[A>AT]TCCCTGAGCTCTTGACCCTGGCTACGCTTACTTGGGGTGAGTTGGTAAATCTCCTGACTA-3'

ClinVar aggregate classification (germline): Likely pathogenic (1 of 4 stars; one submission).

Conditions:
Primary ciliary dyskinesia. Also called: Ciliary dyskinesia. Identifiers: Orphanet 244, MedGen C0008780, MONDO:0016575, HP:0012265.

Submission:

Department of Human Genetics, Hannover Medical School
Classification: Likely pathogenic for Primary Ciliary Dyskinesia. Last evaluated: 2026-04-01. Review status: criteria provided, single submitter. Criteria: ACMG Guidelines, 2015. Collection method: research. Allele origin: germline. Affected: no.
Comment: Classification performed by HerediClassify using the following criteria:['PM2_supporting: Variant occures does not occur as homozygous in gnomAD.', 'PVS1_protein_very_strong: Transcript ENST00000273390 is predicted to undergo NMD.']